The following is an entry in ClinVar:

NM_001031685.3(TP53BP2):c.2637A>C (p.Pro879=)

Gene: TP53BP2 (tumor protein p53 binding protein 2; minus strand). Cytogenetic location: 1q41.
Variant type: single nucleotide variant.
Coding change: c.2637A>C on transcript NM_001031685.3 (MANE Select); coding-DNA position 2637, A replaced by C.
Protein change: p.Pro879=; no amino-acid change (proline 879 retained).
Molecular consequence: synonymous variant.
Genome position (GRCh38, 1-based): chr1:223,795,902, T>G on the plus strand (A>C on the coding strand, the complement: TP53BP2 is on the minus strand). VCF-style: chr1-223795902-T-G. GRCh37 (hg19) VCF-style: chr1-223983604-T-G.
Other names: c.2250A>C, p.Pro750= (NM_005426.3).
Identifiers: ClinVar variation 3045305 (VCV003045305.2), dbSNP rs1571844485, ClinGen allele CA423726305.

ClinVar aggregate classification (germline): Likely benign (0 of 4 stars; one submission).

Conditions:
TP53BP2-related disorder. Also called: TP53BP2-related condition.

Allele frequency attached by ClinVar (database versions not stated): 1000 Genomes Project 30x 0.00109.

Submission:

PreventionGenetics, part of Exact Sciences
Classification: Likely benign for TP53BP2-related condition. Last evaluated: 2019-12-02. Review status: no assertion criteria provided. Collection method: clinical testing. Allele origin: germline.
Comment: This variant is classified as likely benign based on ACMG/AMP sequence variant interpretation guidelines (Richards et al. 2015 PMID: 25741868, with internal and published modifications).